The following is an entry in ClinVar:

NM_015629.4(PRPF31):c.821T>G (p.Ile274Ser)

Gene: PRPF31 (pre-mRNA processing factor 31; plus strand). Cytogenetic location: 19q13.42.
Variant type: single nucleotide variant.
Coding change: c.821T>G on transcript NM_015629.4 (MANE Select); coding-DNA position 821, T replaced by G.
Protein change: p.Ile274Ser; replaces isoleucine 274 with serine.
Molecular consequence: missense variant.
Genome position (GRCh38, 1-based): chr19:54,124,622, T>G. VCF-style: chr19-54124622-T-G. GRCh37 (hg19) VCF-style: chr19-54628001-T-G.
Other names: short protein forms I274S.
Identifiers: ClinVar variation 866478 (VCV000866478.10), dbSNP rs2073875700, ClinGen allele CA407751370.

ClinVar aggregate classification (germline): Conflicting classifications of pathogenicity. Review status: criteria provided, conflicting classifications (1 of 4 stars). 2 submissions from 2 submitters: Likely pathogenic (1); Uncertain significance (1). Last evaluated 2025-05-06.

Conditions:
PRPF31-related disorder. Also called: PRPF31-related condition.

Submissions (2):

Labcorp Genetics (formerly Invitae), Labcorp
Classification: Uncertain significance. Last evaluated: 2025-05-06. Review status: criteria provided, single submitter. Criteria: Invitae Variant Classification Sherloc (09022015). Collection method: clinical testing. Allele origin: germline.
Comment: This sequence change replaces isoleucine, which is neutral and non-polar, with serine, which is neutral and polar, at codon 274 of the PRPF31 protein (p.Ile274Ser). This variant is not present in population databases (gnomAD no frequency). This missense change has been observed in individuals with retinitis pigmentosa (internal data). ClinVar contains an entry for this variant (Variation ID: 866478). An algorithm developed to predict the effect of missense changes on protein structure and function (PolyPhen-2) suggests that this variant is likely to be disruptive. This variant disrupts the (p.Ile274 amino acid residue in PRPF31. Other variant(s) that disrupt this residue have been observed in individuals with PRPF31-related conditions (internal data), which suggests that this may be a clinically significant amino acid residue. In summary, the available evidence is currently insufficient to determine the role of this variant in disease. Therefore, it has been classified as a Variant of Uncertain Significance.

Blueprint Genetics
Classification: Likely pathogenic for PRPF31-related disorders. Last evaluated: 2022-11-14. Review status: criteria provided, single submitter. Criteria: ACMG Guidelines, 2015. Collection method: clinical testing. Allele origin: germline. Affected: yes. Observed: 2 variant alleles.